The following is an entry in ClinVar:

NM_002691.4(POLD1):c.1144T>C (p.Ser382Pro)

Gene: POLD1 (DNA polymerase delta 1, catalytic subunit; plus strand). Cytogenetic location: 19q13.33.
Variant type: single nucleotide variant.
Coding change: c.1144T>C on transcript NM_002691.4 (MANE Select); coding-DNA position 1144, T replaced by C.
Protein change: p.Ser382Pro; replaces serine 382 with proline.
Molecular consequence: missense variant. On other transcripts: non-coding transcript variant (1).
Genome position (GRCh38, 1-based): chr19:50,403,499, T>C. VCF-style: chr19-50403499-T-C. GRCh37 (hg19) VCF-style: chr19-50906756-T-C.
Other names: c.1144T>C, p.Ser382Pro (NM_001256849.1, NM_001308632.1); c.1144T>C (NM_002691.2); short protein forms S382P.
Identifiers: ClinVar variation 537114 (VCV000537114.10), dbSNP rs1555790556, ClinGen allele CA406978436.

ClinVar aggregate classification (germline): Uncertain significance. Review status: criteria provided, multiple submitters, no conflicts (2 of 4 stars). 2 submissions from 2 submitters: Uncertain significance (2). Last evaluated 2023-02-17.

Conditions:
Hereditary cancer-predisposing syndrome. Also called: Tumor predisposition; Neoplastic Syndromes, Hereditary; Hereditary Cancer Syndrome; Hereditary neoplastic syndrome. Identifiers: Orphanet 140162, MedGen C0027672, MeSH D009386, MONDO:0015356.
POLD1-related polyposis and colorectal cancer syndrome (CRCS10). Also called: Colorectal cancer 10; COLORECTAL CANCER, SUSCEPTIBILITY TO, ON CHROMOSOME 19q; Colorectal cancer, susceptibility to, 10. Identifiers: Orphanet 220460, MedGen C2675481, MONDO:0012953, OMIM 612591.

Allele frequency attached by ClinVar (database versions not stated): gnomAD exomes below 0.00001.
gnomAD v4.1: 1 of 1,613,092 alleles (0.000062%); highest among the groups gnomAD compares: Non-Finnish European, 0.000085%; no homozygotes.

Submissions (2):

Ambry Genetics
Classification: Uncertain significance for Hereditary cancer-predisposing syndrome. Last evaluated: 2023-02-17. Review status: criteria provided, single submitter. Criteria: Ambry Variant Classification Scheme 2023. Collection method: clinical testing. Allele origin: germline.
Comment: The p.S382P variant (also known as c.1144T>C), located in coding exon 9 of the POLD1 gene, results from a T to C substitution at nucleotide position 1144. The serine at codon 382 is replaced by proline, an amino acid with similar properties. This amino acid position is conserved. In addition, this alteration is predicted to be tolerated by in silico analysis. Since supporting evidence is limited at this time, the clinical significance of this alteration remains unclear.

Labcorp Genetics (formerly Invitae), Labcorp
Classification: Uncertain significance for POLD1-related polyposis and colorectal cancer syndrome. Last evaluated: 2017-08-06. Review status: criteria provided, single submitter. Criteria: Invitae Variant Classification Sherloc (09022015). Collection method: clinical testing. Allele origin: germline.
Comment: This variant has not been reported in the literature in individuals with POLD1-related disease. In summary, the available evidence is currently insufficient to determine the role of this variant in disease. Therefore, it has been classified as a Variant of Uncertain Significance. Algorithms developed to predict the effect of missense changes on protein structure and function (SIFT, PolyPhen-2, Align-GVGD) all suggest that this variant is likely to be tolerated, but these predictions have not been confirmed by published functional studies and their clinical significance is uncertain. This variant is not present in population databases (ExAC no frequency). This sequence change replaces serine with proline at codon 382 of the POLD1 protein (p.Ser382Pro). The serine residue is weakly conserved and there is a moderate physicochemical difference between serine and proline.